The following is an entry in ClinVar:

NM_014991.6(WDFY3):c.6845T>A (p.Leu2282His)

Gene: WDFY3 (WD repeat and FYVE domain containing 3; minus strand). Cytogenetic location: 4q21.23.
Variant type: single nucleotide variant.
Coding change: c.6845T>A on transcript NM_014991.6 (MANE Select); coding-DNA position 6845, T replaced by A.
Protein change: p.Leu2282His; replaces leucine 2282 with histidine.
Molecular consequence: missense variant.
Genome position (GRCh38, 1-based): chr4:84,736,240, A>T on the plus strand (T>A on the coding strand, the complement: WDFY3 is on the minus strand). VCF-style: chr4-84736240-A-T. GRCh37 (hg19) VCF-style: chr4-85657393-A-T.
Other names: short protein forms L2282H.
Identifiers: ClinVar variation 3766336 (VCV003766336.1).

ClinVar aggregate classification (germline): Uncertain significance (1 of 4 stars; one submission).

Submission:

GeneDx
Classification: Uncertain significance. Last evaluated: 2024-08-28. Review status: criteria provided, single submitter. Criteria: GeneDx Variant Classification Process June 2021. Collection method: clinical testing. Allele origin: germline. Affected: yes.
Comment: Not observed at significant frequency in large population cohorts (gnomAD); In silico analysis supports that this missense variant has a deleterious effect on protein structure/function; Has not been previously published as pathogenic or benign to our knowledge